The following is an entry in ClinVar:

NM_002972.4(SBF1):c.2622G>A (p.Arg874=)

Gene: SBF1 (SET binding factor 1; minus strand). Cytogenetic location: 22q13.33.
Variant type: single nucleotide variant.
Coding change: c.2622G>A on transcript NM_002972.4 (MANE Select); coding-DNA position 2622, G replaced by A.
Protein change: p.Arg874=; no amino-acid change (arginine 874 retained).
Molecular consequence: synonymous variant.
Genome position (GRCh38, 1-based): chr22:50,461,817, C>T on the plus strand (G>A on the coding strand, the complement: SBF1 is on the minus strand). VCF-style: chr22-50461817-C-T. GRCh37 (hg19) VCF-style: chr22-50900246-C-T.
Other names: c.2625G>A, p.Arg875= (NM_001365819.1, NM_001410794.1); c.2622G>A, p.Arg874= (NM_001410795.1, NM_197971.1).
Identifiers: ClinVar variation 1914731 (VCV001914731.7), dbSNP rs746260081, ClinGen allele CA10317138.

ClinVar aggregate classification (germline): Likely benign. Review status: criteria provided, multiple submitters, no conflicts (2 of 4 stars). 2 submissions from 2 submitters: Likely benign (2). Last evaluated 2026-04-01.

Allele frequency attached by ClinVar (database versions not stated): gnomAD exomes below 0.00001; ExAC 0.00001.
gnomAD v4.1: 6 of 1,613,590 alleles (0.00037%); highest among the groups gnomAD compares: Non-Finnish European, 0.00051%; no homozygotes.

Submissions (2):

CeGaT Center for Human Genetics Tuebingen
Classification: Likely benign. Last evaluated: 2026-04-01. Review status: criteria provided, single submitter. Criteria: CeGaT Center For Human Genetics Tuebingen Variant Classification Criteria Version 2. Collection method: clinical testing. Allele origin: germline. Affected: yes. Observed: 1 variant allele.
Comment: SBF1: BP4, BP7

Labcorp Genetics (formerly Invitae), Labcorp
Classification: Likely benign. Last evaluated: 2022-03-26. Review status: criteria provided, single submitter. Criteria: Invitae Variant Classification Sherloc (09022015). Collection method: clinical testing. Allele origin: germline.